The following is an entry in ClinVar:

NM_000036.3(AMPD1):c.2T>G (p.Met1Arg)

Gene: AMPD1 (adenosine monophosphate deaminase 1; minus strand). Cytogenetic location: 1p13.2.
Variant type: single nucleotide variant.
Coding change: c.2T>G on transcript NM_000036.3 (MANE Select); coding-DNA position 2, T replaced by G.
Protein change: p.Met1Arg; changes the start codon (methionine 1).
Molecular consequence: missense variant, initiator codon variant.
Genome position (GRCh38, 1-based): chr1:114,695,470, A>C on the plus strand (T>G on the coding strand, the complement: AMPD1 is on the minus strand). VCF-style: chr1-114695470-A-C. GRCh37 (hg19) VCF-style: chr1-115238091-A-C.
Other names: c.2T>G, p.Met1Arg (NM_001172626.2); short protein forms M1R.
Identifiers: ClinVar variation 1390449 (VCV001390449.6), dbSNP rs2101730071, ClinGen allele CA341736226.

ClinVar aggregate classification (germline): Uncertain significance (1 of 4 stars; one submission).

Conditions:
Muscle AMP deaminase deficiency (MMDD). Also called: AMPD1 DEFICIENCY; ADENOSINE MONOPHOSPHATE DEAMINASE-1 DEFICIENCY, MYOPATHY DUE TO; Myoadenylate deaminase deficiency, myopathy due to; Adenosine monophosphate deaminase 1 deficiency; AMP deaminase 1 deficiency; Adenosine Monophosphate Deaminase 1. Identifiers: Orphanet 45, MedGen C3714933, MONDO:0014220, OMIM 615511.

Submission:

Labcorp Genetics (formerly Invitae), Labcorp
Classification: Uncertain significance for Muscle AMP deaminase deficiency. Last evaluated: 2024-02-24. Review status: criteria provided, single submitter. Criteria: Invitae Variant Classification Sherloc (09022015). Collection method: clinical testing. Allele origin: germline.
Comment: This sequence change replaces methionine, which is neutral and non-polar, with arginine, which is basic and polar, at codon 34 of the AMPD1 protein (p.Met34Arg). This variant is not present in population databases (gnomAD no frequency). This variant has not been reported in the literature in individuals affected with AMPD1-related conditions. ClinVar contains an entry for this variant (Variation ID: 1390449). An algorithm developed to predict the effect of missense changes on protein structure and function (PolyPhen-2) suggests that this variant is likely to be tolerated. In summary, the available evidence is currently insufficient to determine the role of this variant in disease. Therefore, it has been classified as a Variant of Uncertain Significance.